The following is an entry in ClinVar:

ClinVar aggregate classification (germline): Pathogenic (1 of 4 stars; one submission).

Conditions:
Primary ciliary dyskinesia 3. Identifiers: Orphanet 244, MedGen C1837618, MONDO:0012085, OMIM 608644.

Submission:

Myriad Genetics, Inc.
Classification: Pathogenic for Primary ciliary dyskinesia 3. Last evaluated: 2024-03-30. Review status: criteria provided, single submitter. Criteria: Myriad Autosomal Dominant, Autosomal Recessive and X-Linked Classification Criteria (2023). Collection method: clinical testing. Allele origin: unknown.
Comment: NM_001369.2(DNAH5):c.4022delA(D1341Vfs*11) is expected to be pathogenic in the context of primary ciliary dyskinesia, DNAH5-related. This variant is predicted to lead to an abnormal or absent protein product due to the creation of a premature termination codon in DNAH5, a gene where loss-of-function variants are known to be pathogenic. Please note: this variant was assessed in the context of healthy population screening.

NM_001369.3(DNAH5):c.4022del (p.Asp1341fs)

Genes: DNAH5 (dynein axonemal heavy chain 5; minus strand), DNAH5-AS1 (DNAH5 antisense RNA 1; plus strand). Cytogenetic location: 5p15.2.
Variant type: Deletion.
Coding change: c.4022del on transcript NM_001369.3 (MANE Select); coding-DNA position 4022, one base deleted (A; older notation c.4022delA).
Protein change: p.Asp1341fs; shifts the reading frame from aspartic acid 1341.
Molecular consequence: frameshift variant.
Genome position (GRCh38, 1-based): chr5:13,867,805, T deleted on the plus strand (A on the coding strand, the reverse complement: DNAH5 is on the minus strand). VCF-style (leftmost placement, unchanged base first): chr5-13867804-AT-A. GRCh37 (hg19) VCF-style: chr5-13867913-AT-A.
Other names: short protein forms D1341fs.
Identifiers: ClinVar variation 5012881 (VCV005012881.1).